The following is an entry in ClinVar:

ClinVar aggregate classification (germline): Benign/Likely benign. Review status: criteria provided, multiple submitters, no conflicts (2 of 4 stars). 10 submissions from 10 submitters: Benign (2); Likely benign (8). Last evaluated 2025-10-03.

Conditions:
Lynch syndrome. Identifiers: Orphanet 144, MedGen C4552100, MONDO:0005835. Disease mechanism: loss of function.
Lynch syndrome 4 (LYNCH4). Also called: Hereditary non-polyposis colorectal cancer, type 4; Colorectal cancer, hereditary nonpolyposis, type 4. Identifiers: Orphanet 144, MedGen C1838333, MONDO:0013699, OMIM 614337. Disease mechanism: loss of function.
Hereditary nonpolyposis colorectal neoplasms. Identifiers: MedGen C0009405, MeSH D003123.
Hereditary cancer-predisposing syndrome. Also called: Neoplastic Syndromes, Hereditary; Hereditary Cancer Syndrome; Tumor predisposition; Hereditary neoplastic syndrome. Identifiers: Orphanet 140162, MedGen C0027672, MeSH D009386, MONDO:0015356.

Allele frequency attached by ClinVar (database versions not stated): gnomAD exomes below 0.00001 and 0.00001; ExAC 0.00001; gnomAD 0.00003 and 0.00004; TOPMed 0.00003.
gnomAD v4.1: 11 of 1,612,462 alleles (0.00068%); highest among the groups gnomAD compares: African/African-American, 0.012%; no homozygotes.

Submissions (10):

Labcorp Genetics (formerly Invitae), Labcorp
Classification: Likely benign for Hereditary nonpolyposis colorectal neoplasms. Last evaluated: 2025-10-03. Review status: criteria provided, single submitter. Criteria: Invitae Variant Classification Sherloc (09022015). Collection method: clinical testing. Allele origin: germline.

Women's Health and Genetics/Laboratory Corporation of America, LabCorp
Classification: Likely benign. Last evaluated: 2025-03-03. Review status: criteria provided, single submitter. Criteria: LabCorp Variant Classification Summary - May 2015. Collection method: clinical testing. Allele origin: germline.
Comment: Variant summary: PMS2 c.12T>G alters a non-conserved nucleotide resulting in a synonymous change. Consensus agreement among computation tools predict no significant impact on normal splicing. However, these predictions have yet to be confirmed by functional studies. The variant allele was found at a frequency of 8e-06 in 250254 control chromosomes. The available data on variant occurrences in the general population are insufficient to allow any conclusion about variant significance. To our knowledge, no occurrence of c.12T>G in individuals affected with Lynch Syndrome and no experimental evidence demonstrating its impact on protein function have been reported. ClinVar contains an entry for this variant (Variation ID: 237882). Based on the evidence outlined above, the variant was classified as likely benign.

Myriad Genetics, Inc.
Classification: Benign for Lynch syndrome 4. Last evaluated: 2025-01-23. Review status: criteria provided, single submitter. Criteria: Myriad Autosomal Dominant, Autosomal Recessive and X-Linked Classification Criteria (2023). Collection method: clinical testing. Allele origin: unknown.
Comment: This variant is considered benign. This variant is a silent/synonymous amino acid change and it is not expected to impact splicing.

All of Us Research Program, National Institutes of Health
Classification: Likely benign for Lynch syndrome. Last evaluated: 2024-03-14. Review status: criteria provided, single submitter. Criteria: ACMG Guidelines, 2015. Collection method: clinical testing. Allele origin: germline. Inheritance: Autosomal dominant inheritance. Observed: 1 variant allele, 1 heterozygote.
Comment: This study involves interpretation of variants in research participants for the purpose of population health screening. Participant phenotype was not available at the time of variant classification. Additional details can be found in publication PMID: 35346344, PMCID: PMC8962531

Department of Pathology and Laboratory Medicine, Sinai Health System
Classification: Likely benign for Lynch syndrome. Last evaluated: 2022-02-10. Review status: criteria provided, single submitter. Criteria: ACMG Guidelines, 2015. Collection method: clinical testing. Allele origin: germline. Affected: yes.

Sema4
Classification: Likely benign for Hereditary cancer-predisposing syndrome. Last evaluated: 2021-10-31. Review status: criteria provided, single submitter. Criteria: Sema4 Curation Guidelines. Collection method: curation. Allele origin: germline.

Blueprint Genetics
Classification: Likely benign. Last evaluated: 2021-10-06. Review status: criteria provided, single submitter. Criteria: ACMG Guidelines, 2015. Collection method: clinical testing. Allele origin: germline.

Color Diagnostics, LLC DBA Color Health
Classification: Likely benign for Hereditary cancer-predisposing syndrome. Last evaluated: 2017-07-31. Review status: criteria provided, single submitter. Criteria: ACMG Guidelines, 2015. Collection method: clinical testing. Allele origin: germline.

Ambry Genetics
Classification: Likely benign for Hereditary cancer-predisposing syndrome. Last evaluated: 2016-01-07. Review status: criteria provided, single submitter. Criteria: Ambry Variant Classification Scheme 2023. Collection method: clinical testing. Allele origin: germline.

GeneDx
Classification: Benign. Last evaluated: 2015-03-03. Review status: criteria provided, single submitter. Criteria: GeneDx Variant Classification Process June 2021. Collection method: clinical testing. Allele origin: germline. Affected: yes.

NM_000535.7(PMS2):c.12T>G (p.Ala4=)

Gene: PMS2 (PMS1 homolog 2, mismatch repair system component; minus strand). Cytogenetic location: 7p22.1.
Variant type: single nucleotide variant.
Coding change: c.12T>G on transcript NM_000535.7 (MANE Select); coding-DNA position 12, T replaced by G.
Protein change: p.Ala4=; no amino-acid change (alanine 4 retained).
Molecular consequence: synonymous variant. On other transcripts: 5 prime UTR variant (11), non-coding transcript variant (1).
Genome position (GRCh38, 1-based): chr7:6,009,008, A>C on the plus strand (T>G on the coding strand, the complement: PMS2 is on the minus strand). VCF-style: chr7-6009008-A-C. GRCh37 (hg19) VCF-style: chr7-6048639-A-C.
Other names: c.-389T>G (NM_001322003.2, NM_001322013.2); c.-254T>G (NM_001322004.2, NM_001322010.2); c.-584T>G (NM_001322005.2); c.12T>G, p.Ala4= (NM_001322006.2, NM_001322014.2); c.-204T>G (NM_001322007.2); c.-64T>G (NM_001322008.2); c.-579T>G (NM_001322009.2); c.-873T>G (NM_001322011.2); and 2 more.
Identifiers: ClinVar variation 237882 (VCV000237882.27), dbSNP rs776136427, ClinGen allele CA042997.
Genomic context (GRCh38, chr7:6,009,008, plus strand): 5'-AAAGAGGGCGCGCGAGAGGGGACACCGGAAGACTGCGAGCCCCGCTCACCTCGAGCTCTC[A>C]GCTCGCTCCATGGATGCAACACCCGATCCGCCTCGGGGACTGGGAAAGTTCCCTCCAGGG-3'
Protein context (NP_000526.2, residues 1-14): MER[Ala4=]ESSSTEPAKA